The following is an entry in ClinVar:

NM_183357.3(ADCY5):c.2724+64T>C

Gene: ADCY5 (adenylate cyclase 5; minus strand). Cytogenetic location: 3q21.1.
Variant type: single nucleotide variant.
Coding change: c.2724+64T>C on transcript NM_183357.3 (MANE Select); 64 bases into the intron after coding-DNA position 2724, T replaced by C.
Molecular consequence: intron variant.
Genome position (GRCh38, 1-based): chr3:123,302,991, A>G on the plus strand (T>C on the coding strand, the complement: ADCY5 is on the minus strand). VCF-style: chr3-123302991-A-G. GRCh37 (hg19) VCF-style: chr3-123021838-A-G.
Other names: c.2724+64T>C (NM_001378259.1); c.1674+64T>C (NM_001199642.1).
Identifiers: ClinVar variation 1188959 (VCV001188959.8), dbSNP rs9877581, ClinGen allele CA82912582.
Genomic context (GRCh38, chr3:123,302,991, plus strand): 5'-GGCCTCTAGAAGACAGTGAGCTGGTGAGACCCTGTCCTTCAGACTGTCCTGAGCAGCTGC[A>G]GTGACAGTGGGGGAGGGCAAGGGACTCTTCAGCACTCCCTTCCAGCCCCTGTGCACCCAG-3'

ClinVar aggregate classification (germline): Benign. Review status: criteria provided, multiple submitters, no conflicts (2 of 4 stars). 4 submissions from 4 submitters: Benign (4). Last evaluated 2024-07-31.

Conditions:
Dyskinesia with orofacial involvement, autosomal dominant (DSKOD). Also called: Familial dyskinesia and facial myokymia; Familial Dyskinesia with Facial Myokymia (FDFM); Dyskinesia, familial, with facial myokymia. Identifiers: Orphanet 324588, MedGen C1847627, MONDO:0800028, OMIM 606703.

Allele frequency attached by ClinVar (database versions not stated): 1000 Genomes Project 30x 0.98235; 1000 Genomes Project 0.98343; TOPMed 0.98458; gnomAD 0.98503 and 0.98596; gnomAD exomes 0.99860.
gnomAD v4.1: 1,568,730 of 1,572,922 alleles (100%); highest among the groups gnomAD compares: Non-Finnish European, 100%; 782,365 homozygotes.

Submissions (4):

Unidad de Genómica Garrahan, Hospital de Pediatría Garrahan
Classification: Benign. Last evaluated: 2024-07-31. Review status: criteria provided, single submitter. Criteria: ACMG Guidelines, 2015. Collection method: clinical testing. Allele origin: germline. Affected: no. Observed: 93 variant alleles.
Comment: This variant is classified as Benign based on local population frequency. This variant was detected in 100% of patients studied in a panel designed for Epileptic and Developmental Encephalopathy, Progressive Myoclonus Epilepsy and Abnormal Movements and Neurodegeneration with brain iron accumulation. Number of patients: 93. Only high quality variants are reported.

Genome-Nilou Lab
Classification: Benign for Dyskinesia with orofacial involvement, autosomal dominant. Last evaluated: 2021-07-14. Review status: criteria provided, single submitter. Criteria: ACMG Guidelines, 2015. Collection method: clinical testing. Allele origin: germline. Affected: no.

GeneDx
Classification: Benign. Last evaluated: 2018-07-05. Review status: criteria provided, single submitter. Criteria: GeneDx Variant Classification Process June 2021. Collection method: clinical testing. Allele origin: germline. Affected: yes.

Breakthrough Genomics
Classification: Benign. Review status: criteria provided, single submitter. Criteria: ACMG Guidelines, 2015. Collection method: not provided. Allele origin: germline. Inheritance: Autosomal recessive inheritance. Affected: yes.